The following is an entry in ClinVar:

NM_003200.5(TCF3):c.1820G>A (p.Arg607Gln)

Gene: TCF3 (transcription factor 3; minus strand). Cytogenetic location: 19p13.3.
Variant type: single nucleotide variant.
Coding change: c.1820G>A on transcript NM_003200.5 (MANE Select); coding-DNA position 1820, G replaced by A.
Protein change: p.Arg607Gln; replaces arginine 607 with glutamine.
Molecular consequence: missense variant. On other transcripts: intron variant (2).
Genome position (GRCh38, 1-based): chr19:1,615,287, C>T on the plus strand (G>A on the coding strand, the complement: TCF3 is on the minus strand). VCF-style: chr19-1615287-C-T. GRCh37 (hg19) VCF-style: chr19-1615286-C-T.
Other names: c.1817G>A, p.Arg606Gln (NM_001351778.2); c.1586+399G>A (NM_001136139.4, NM_001351779.2); short protein forms R606Q, R607Q.
Identifiers: ClinVar variation 2881496 (VCV002881496.3), dbSNP rs779502682, ClinGen allele CA9049629.

ClinVar aggregate classification (germline): Uncertain significance (1 of 4 stars; one submission).

Allele frequency attached by ClinVar (database versions not stated): ExAC 0.00001; gnomAD exomes 0.00001.
gnomAD v4.1: 15 of 1,589,498 alleles (0.00094%); highest among the groups gnomAD compares: South Asian, 0.0011%; no homozygotes.

Submission:

Labcorp Genetics (formerly Invitae), Labcorp
Classification: Uncertain significance. Last evaluated: 2023-03-23. Review status: criteria provided, single submitter. Criteria: Invitae Variant Classification Sherloc (09022015). Collection method: clinical testing. Allele origin: germline.
Comment: This sequence change replaces arginine, which is basic and polar, with glutamine, which is neutral and polar, at codon 607 of the TCF3 protein (p.Arg607Gln). This variant is not present in population databases (gnomAD no frequency). This variant has not been reported in the literature in individuals affected with TCF3-related conditions. An algorithm developed to predict the effect of missense changes on protein structure and function (PolyPhen-2) suggests that this variant is likely to be disruptive. In summary, the available evidence is currently insufficient to determine the role of this variant in disease. Therefore, it has been classified as a Variant of Uncertain Significance.